The following is an entry in ClinVar:

NM_001163435.3(TBCK):c.2574T>G (p.Phe858Leu)

Gene: TBCK (TBC1 domain containing kinase; minus strand). Cytogenetic location: 4q24.
Variant type: single nucleotide variant.
Coding change: c.2574T>G on transcript NM_001163435.3 (MANE Select); coding-DNA position 2574, T replaced by G.
Protein change: p.Phe858Leu; replaces phenylalanine 858 with leucine.
Molecular consequence: missense variant.
Genome position (GRCh38, 1-based): chr4:106,046,678, A>C on the plus strand (T>G on the coding strand, the complement: TBCK is on the minus strand). VCF-style: chr4-106046678-A-C. GRCh37 (hg19) VCF-style: chr4-106967835-A-C.
Other names: c.2574T>G, p.Phe858Leu (NM_001163436.4); c.2457T>G, p.Phe819Leu (NM_001163437.3); c.2058T>G, p.Phe686Leu (NM_001290768.2); c.2385T>G, p.Phe795Leu (NM_033115.5); short protein forms F795L, F686L, F819L, F858L.
Identifiers: ClinVar variation 2134564 (VCV002134564.4), dbSNP rs2476917233, ClinGen allele CA357971498.

ClinVar aggregate classification (germline): Uncertain significance (1 of 4 stars; one submission).

Submission:

Labcorp Genetics (formerly Invitae), Labcorp
Classification: Uncertain significance. Last evaluated: 2022-05-06. Review status: criteria provided, single submitter. Criteria: Invitae Variant Classification Sherloc (09022015). Collection method: clinical testing. Allele origin: germline.
Comment: This sequence change replaces phenylalanine, which is neutral and non-polar, with leucine, which is neutral and non-polar, at codon 858 of the TBCK protein (p.Phe858Leu). This variant is not present in population databases (gnomAD no frequency). This variant has not been reported in the literature in individuals affected with TBCK-related conditions. Algorithms developed to predict the effect of missense changes on protein structure and function are either unavailable or do not agree on the potential impact of this missense change (SIFT: "Tolerated"; PolyPhen-2: "Possibly Damaging"; Align-GVGD: "Class C0"). In summary, the available evidence is currently insufficient to determine the role of this variant in disease. Therefore, it has been classified as a Variant of Uncertain Significance.